The following is an entry in ClinVar:

ClinVar aggregate classification (germline): Likely benign. Review status: criteria provided, multiple submitters, no conflicts (2 of 4 stars). 3 submissions from 3 submitters: Likely benign (3). Last evaluated 2023-10-19.

Conditions:
RYR1-related disorder. Also called: RYR1-related disorders; RYR1-related condition. Identifiers: MedGen CN239331.
Malignant hyperthermia, susceptibility to, 1 (MHS1). Also called: RYR1-Related Malignant Hyperthermia Susceptibility; Malignant hyperthermia suceptibility 1; Anesthesia related hyperthermia; Malignant hyperpyrexia; Fulminating hyperpyrexia; Pharmacogenic myopathy. Identifiers: Orphanet 423, MedGen C2930980, MONDO:0007783, OMIM 145600.

gnomAD v4.1: 1 of 1,614,194 alleles (0.000062%); highest among the groups gnomAD compares: Admixed American, 0.0017%; no homozygotes.

Submissions (3):

Labcorp Genetics (formerly Invitae), Labcorp
Classification: Likely benign for RYR1-related disorder. Last evaluated: 2023-10-19. Review status: criteria provided, single submitter. Criteria: Invitae Variant Classification Sherloc (09022015). Collection method: clinical testing. Allele origin: germline.

All of Us Research Program, National Institutes of Health
Classification: Likely benign for Malignant hyperthermia, susceptibility to, 1. Last evaluated: 2023-10-02. Review status: criteria provided, single submitter. Criteria: ACMG Guidelines, 2015. Collection method: clinical testing. Allele origin: germline. Inheritance: Autosomal dominant inheritance. Observed: 1 variant allele, 1 heterozygote.
Comment: This study involves interpretation of variants in research participants for the purpose of population health screening. Participant phenotype was not available at the time of variant classification. Additional details can be found in publication PMID: 35346344, PMCID: PMC8962531

Color Diagnostics, LLC DBA Color Health
Classification: Likely benign for Malignant hyperthermia, susceptibility to, 1. Last evaluated: 2023-09-27. Review status: criteria provided, single submitter. Criteria: ACMG Guidelines, 2015. Collection method: clinical testing. Allele origin: germline.

NM_000540.3(RYR1):c.9333G>C (p.Arg3111=)

Gene: RYR1 (ryanodine receptor 1; plus strand). Cytogenetic location: 19q13.2.
Variant type: single nucleotide variant.
Coding change: c.9333G>C on transcript NM_000540.3 (MANE Select); coding-DNA position 9333, G replaced by C.
Protein change: p.Arg3111=; no amino-acid change (arginine 3111 retained).
Molecular consequence: synonymous variant.
Genome position (GRCh38, 1-based): chr19:38,512,344, G>C. VCF-style: chr19-38512344-G-C. GRCh37 (hg19) VCF-style: chr19-39002984-G-C.
Other names: c.9333G>C, p.Arg3111= (NM_001042723.2).
Identifiers: ClinVar variation 748485 (VCV000748485.10), dbSNP rs765039553, ClinGen allele CA507354427.